The following is an entry in ClinVar:

ClinVar aggregate classification (germline): Uncertain significance (1 of 4 stars; one submission).

Conditions:
Hereditary cancer-predisposing syndrome. Also called: Hereditary Cancer Syndrome; Hereditary neoplastic syndrome; Neoplastic Syndromes, Hereditary; Tumor predisposition. Identifiers: Orphanet 140162, MedGen C0027672, MeSH D009386, MONDO:0015356.

Submission:

Sema4
Classification: Uncertain significance for Hereditary cancer-predisposing syndrome. Last evaluated: 2021-08-25. Review status: criteria provided, single submitter. Criteria: Sema4 Curation Guidelines. Collection method: curation. Allele origin: germline.
Comment: The FANCM c.5722A>C (p.T1908P) variant has not been reported in literature to our knowledge. This variant was not observed in the Genome Aggregation Database (PMID: 32461654). This variant has not been reported in ClinVar. In silico tools suggest the impact of the variant on protein function is benign, though these predictions have not been confirmed by functional studies. The overall evidence is insufficient to meet ACMG/AMP criteria for classifying it as benign or pathogenic. In summary, the clinical significance of this variant is currently uncertain.

NM_020937.4(FANCM):c.5722A>C (p.Thr1908Pro)

Gene: FANCM (FA complementation group M; plus strand). Cytogenetic location: 14q21.2.
Variant type: single nucleotide variant.
Coding change: c.5722A>C on transcript NM_020937.4 (MANE Select); coding-DNA position 5722, A replaced by C.
Protein change: p.Thr1908Pro; replaces threonine 1908 with proline.
Molecular consequence: missense variant.
Genome position (GRCh38, 1-based): chr14:45,198,649, A>C. VCF-style: chr14-45198649-A-C. GRCh37 (hg19) VCF-style: chr14-45667852-A-C.
Other names: c.5644A>C, p.Thr1882Pro (NM_001308133.2); short protein forms T1882P, T1908P.
Identifiers: ClinVar variation 1691907 (VCV001691907.1), dbSNP rs2139327859, ClinGen allele CA389586519.